The following is an entry in ClinVar:

ClinVar aggregate classification (germline): Likely benign. Review status: criteria provided, multiple submitters, no conflicts (2 of 4 stars). 2 submissions from 2 submitters: Likely benign (2). Last evaluated 2026-05-13.

Conditions:
Neurofibromatosis, type 1 (NF1). Also called: VON RECKLINGHAUSEN DISEASE; Neurofibromatosis, type I; NEUROFIBROMATOSIS, TYPE I, SOMATIC; Peripheral type neurofibromatosis. Identifiers: Orphanet 636, MedGen C0027831, MONDO:0018975, OMIM 162200. Disease mechanism: loss of function.

Allele frequency attached by ClinVar (database versions not stated): gnomAD exomes 0.00001 and below 0.00001.
gnomAD v4.1: 5 of 1,613,440 alleles (0.00031%); highest among the groups gnomAD compares: Non-Finnish European, 0.00042%; no homozygotes.

Submissions (2):

Myriad Genetics, Inc.
Classification: Likely benign for Neurofibromatosis, type 1. Last evaluated: 2026-05-13. Review status: criteria provided, single submitter. Criteria: Myriad Autosomal Dominant, Autosomal Recessive and X-Linked Classification Criteria (2023). Collection method: clinical testing. Allele origin: unknown.
Comment: This variant is considered likely benign. This variant is intronic and is not expected to impact mRNA splicing.

Labcorp Genetics (formerly Invitae), Labcorp
Classification: Likely benign for Neurofibromatosis, type 1. Last evaluated: 2024-10-15. Review status: criteria provided, single submitter. Criteria: Invitae Variant Classification Sherloc (09022015). Collection method: clinical testing. Allele origin: germline.

NM_001042492.3(NF1):c.4431-14T>C

Gene: NF1 (neurofibromin 1; plus strand). Cytogenetic location: 17q11.2.
Variant type: single nucleotide variant.
Coding change: c.4431-14T>C on transcript NM_001042492.3 (MANE Select); 14 bases into the intron before coding-DNA position 4431, T replaced by C.
Molecular consequence: intron variant.
Genome position (GRCh38, 1-based): chr17:31,260,355, T>C. VCF-style: chr17-31260355-T-C. GRCh37 (hg19) VCF-style: chr17-29587373-T-C.
Other names: c.4368-14T>C (NM_000267.4).
Identifiers: ClinVar variation 1562001 (VCV001562001.9), dbSNP rs1157589742, ClinGen allele CA625476504.